The following is an entry in ClinVar:

ClinVar aggregate classification (germline): Likely benign. Review status: criteria provided, multiple submitters, no conflicts (2 of 4 stars). 2 submissions from 2 submitters: Likely benign (2). Last evaluated 2018-06-16.

Allele frequency attached by ClinVar (database versions not stated): 1000 Genomes Project 0.01098; gnomAD 0.01169 and 0.01233; 1000 Genomes Project 30x 0.01249; TOPMed 0.01294.
gnomAD v4.1: 6,971 of 1,332,178 alleles (0.52%); highest among the groups gnomAD compares: African/African-American, 3.4%; 65 homozygotes.

Submissions (2):

GeneDx
Classification: Likely benign. Last evaluated: 2018-06-16. Review status: criteria provided, single submitter. Criteria: GeneDx Variant Classification (06012015). Collection method: clinical testing. Allele origin: germline. Affected: yes.
Comment: This variant is considered likely benign or benign based on one or more of the following criteria: it is a conservative change, it occurs at a poorly conserved position in the protein, it is predicted to be benign by multiple in silico algorithms, and/or has population frequency not consistent with disease.

Breakthrough Genomics
Classification: Likely benign. Review status: criteria provided, single submitter. Criteria: ACMG Guidelines, 2015. Collection method: not provided. Allele origin: germline. Inheritance: Autosomal recessive inheritance. Affected: yes.

NM_005219.5(DIAPH1):c.3661+69C>T

Gene: DIAPH1 (diaphanous related formin 1; minus strand). Cytogenetic location: 5q31.3.
Variant type: single nucleotide variant.
Coding change: c.3661+69C>T on transcript NM_005219.5 (MANE Select); 69 bases into the intron after coding-DNA position 3661, C replaced by T.
Molecular consequence: intron variant.
Genome position (GRCh38, 1-based): chr5:141,524,074, G>A on the plus strand (C>T on the coding strand, the complement: DIAPH1 is on the minus strand). VCF-style: chr5-141524074-G-A. GRCh37 (hg19) VCF-style: chr5-140903641-G-A.
Other names: c.3634+69C>T (NM_001079812.3); c.3661+69C>T (NM_001314007.2).
Identifiers: ClinVar variation 683481 (VCV000683481.2), dbSNP rs113373216, ClinGen allele CA128422890.
Genomic context (GRCh38, chr5:141,524,074, plus strand): 5'-ATCCGTTCTGGATGCAGGGACTAAAAAGATGCTTAGAGCATCATTATTTGCTCTTTAGCC[G>A]CAGACTGGCAGGAGTAGAGAGCCCTCACCCCCTTCGACACCCAGGATGAGCTCCATGTGC-3'